The following is an entry in ClinVar:

NM_021098.3(CACNA1H):c.4351-6C>A

Gene: CACNA1H (calcium voltage-gated channel subunit alpha1 H; plus strand). Cytogenetic location: 16p13.3.
Variant type: single nucleotide variant.
Coding change: c.4351-6C>A on transcript NM_021098.3 (MANE Select); 6 bases into the intron before coding-DNA position 4351, C replaced by A.
Molecular consequence: intron variant.
Genome position (GRCh38, 1-based): chr16:1,211,475, C>A. VCF-style: chr16-1211475-C-A. GRCh37 (hg19) VCF-style: chr16-1261475-C-A.
Other names: c.4351-6C>A (NM_001005407.2).
Identifiers: ClinVar variation 3339536 (VCV003339536.1).

ClinVar aggregate classification (germline): Uncertain significance (1 of 4 stars; one submission).

gnomAD v4.1: 3 of 1,612,278 alleles (0.00019%); highest among the groups gnomAD compares: Non-Finnish European, 0.00025%; no homozygotes.

Submission:

Women's Health and Genetics/Laboratory Corporation of America, LabCorp
Classification: Uncertain significance. Last evaluated: 2024-06-13. Review status: criteria provided, single submitter. Criteria: LabCorp Variant Classification Summary - May 2015. Collection method: clinical testing. Allele origin: germline.
Comment: Variant summary: CACNA1H c.4351-6C>A alters a non-conserved nucleotide located close to a canonical splice site and therefore could affect mRNA splicing, leading to a significantly altered protein sequence. Several computational tools predict a significant impact on normal splicing: Three predict the variant abolishes a 3' acceptor site. However, these predictions have yet to be confirmed by functional studies. The variant was absent in 247386 control chromosomes. The available data on variant occurrences in the general population are insufficient to allow any conclusion about variant significance. To our knowledge, no occurrence of c.4351-6C>A in individuals affected with CACNA1H-related conditions and no experimental evidence demonstrating its impact on protein function have been reported. No submitters have cited clinical-significance assessments for this variant to ClinVar. Based on the evidence outlined above, the variant was classified as uncertain significance.